The following is an entry in ClinVar:

NM_001374828.1(ARID1B):c.1058CCG[4] (p.Ala357del)

Gene: ARID1B (AT-rich interaction domain 1B; plus strand). Cytogenetic location: 6q25.3.
Variant type: Microsatellite.
Coding change: c.1058CCG[4] on transcript NM_001374828.1 (MANE Select); four copies in a row of the 3-base unit CCG starting at c.1058; the reference has five copies in a row; one copy, 3 bases deleted.
Protein change: p.Ala357del; deletes alanine 357.
Molecular consequence: inframe deletion. On other transcripts: inframe indel (1).
Genome position (GRCh38, 1-based): chr6:156,778,750-156,778,752, CCG deleted; deleting any 3 consecutive bases within chr6:156,778,738-156,778,752 gives the same sequence; the position shown is the placement nearest the transcript's 3' end. VCF-style (leftmost placement, unchanged base first): chr6-156778737-TCCG-T. GRCh37 (hg19) VCF-style: chr6-157099871-TCCG-T.
Other names: c.821_823delCCG (NM_020732.3); c.1058CCG[4], p.Ala357del (NM_001371656.1, NM_001374820.1, NM_017519.3); short protein forms A357del.
Identifiers: ClinVar variation 1762477 (VCV001762477.7), dbSNP rs766956053, ClinGen allele CA4066697.

ClinVar aggregate classification (germline): Conflicting classifications of pathogenicity. Review status: criteria provided, conflicting classifications (1 of 4 stars). 4 submissions from 4 submitters: Uncertain significance (1); Benign (1); Likely benign (1). 1 of the submissions does not count toward it. Last evaluated 2025-10-16.

Conditions:
ARID1B-Related Disorder. Identifiers: MedGen CN381337.
Inborn genetic diseases. Identifiers: MedGen C0950123, MeSH D030342.

Submissions (4):

Labcorp Genetics (formerly Invitae), Labcorp
Classification: Uncertain significance. Last evaluated: 2025-10-16. Review status: criteria provided, single submitter. Criteria: Invitae Variant Classification Sherloc (09022015). Collection method: clinical testing. Allele origin: germline.
Comment: This variant, c.821_823del, results in the deletion of 1 amino acid(s) of the ARID1B protein (p.Ala274del), but otherwise preserves the integrity of the reading frame. The frequency data for this variant in the population databases is considered unreliable, as metrics indicate poor data quality at this position in the gnomAD database. This variant has not been reported in the literature in individuals affected with ARID1B-related conditions. Experimental studies and prediction algorithms are not available or were not evaluated, and the functional significance of this variant is currently unknown. In summary, the available evidence is currently insufficient to determine the role of this variant in disease. Therefore, it has been classified as a Variant of Uncertain Significance.

Blueprint Genetics
Classification: Likely benign. Last evaluated: 2024-08-22. Review status: criteria provided, single submitter. Criteria: ACMG Guidelines, 2015. Collection method: clinical testing. Allele origin: germline.

Ambry Genetics
Classification: Benign for Inborn genetic diseases. Last evaluated: 2019-02-09. Review status: criteria provided, single submitter. Criteria: Ambry Variant Classification Scheme 2023. Collection method: clinical testing. Allele origin: germline.

PreventionGenetics, part of Exact Sciences
Classification: Benign for ARID1B-related condition. Last evaluated: 2020-02-10. Review status: no assertion criteria provided. Collection method: clinical testing. Allele origin: germline. Not counted in ClinVar's aggregate classification.
Comment: This variant is classified as benign based on ACMG/AMP sequence variant interpretation guidelines (Richards et al. 2015 PMID: 25741868, with internal and published modifications).